The following is an entry in ClinVar:

NM_024642.5(GALNT12):c.1000G>C (p.Val334Leu)

Gene: GALNT12 (polypeptide N-acetylgalactosaminyltransferase 12; plus strand). Cytogenetic location: 9q22.33.
Variant type: single nucleotide variant.
Coding change: c.1000G>C on transcript NM_024642.5 (MANE Select); coding-DNA position 1000, G replaced by C.
Protein change: p.Val334Leu; replaces valine 334 with leucine.
Molecular consequence: missense variant.
Genome position (GRCh38, 1-based): chr9:98,835,331, G>C. VCF-style: chr9-98835331-G-C. GRCh37 (hg19) VCF-style: chr9-101597613-G-C.
Other names: short protein forms V334L.
Identifiers: ClinVar variation 1751429 (VCV001751429.3), dbSNP rs1253229518, ClinGen allele CA374219494.

ClinVar aggregate classification (germline): Uncertain significance (1 of 4 stars; one submission).

Submission:

Ambry Genetics
Classification: Uncertain significance. Last evaluated: 2025-04-19. Review status: criteria provided, single submitter. Criteria: Ambry Variant Classification Scheme 2023. Collection method: clinical testing. Allele origin: germline.
Comment: The p.V334L variant (also known as c.1000G>C), located in coding exon 5 of the GALNT12 gene, results from a G to C substitution at nucleotide position 1000. The valine at codon 334 is replaced by leucine, an amino acid with highly similar properties. This amino acid position is conserved. In addition, this alteration is predicted to be deleterious by in silico analysis. Since supporting evidence is limited at this time, the clinical significance of this alteration remains unclear.